The following is an entry in ClinVar:

ClinVar aggregate classification (germline): Conflicting classifications of pathogenicity. Review status: criteria provided, conflicting classifications (1 of 4 stars). 2 submissions from 2 submitters: Uncertain significance (1); Likely benign (1). Last evaluated 2026-01-13.

Conditions:
RASopathy. Also called: rasopathies; Noonan spectrum disorder. Identifiers: Orphanet 536391, MedGen C5555857, MONDO:0021060.

Allele frequency attached by ClinVar (database versions not stated): TOPMed 0.00002.
gnomAD v4.1: 7 of 1,614,186 alleles (0.00043%); highest among the groups gnomAD compares: Non-Finnish European, 0.00051%; no homozygotes.

Submissions (2):

Labcorp Genetics (formerly Invitae), Labcorp
Classification: Uncertain significance for RASopathy. Last evaluated: 2026-01-13. Review status: criteria provided, single submitter. Criteria: Invitae Variant Classification Sherloc (09022015). Collection method: clinical testing. Allele origin: germline.
Comment: This sequence change replaces serine, which is neutral and polar, with cysteine, which is neutral and slightly polar, at codon 317 of the BRAF protein (p.Ser317Cys). This variant is present in population databases (no rsID available, gnomAD 0.0009%). This variant has not been reported in the literature in individuals affected with BRAF-related conditions. ClinVar contains an entry for this variant (Variation ID: 1989598). Invitae Evidence Modeling of protein sequence and biophysical properties (such as structural, functional, and spatial information, amino acid conservation, physicochemical variation, residue mobility, and thermodynamic stability) indicates that this missense variant is not expected to disrupt BRAF protein function with a negative predictive value of 80%. In summary, the available evidence is currently insufficient to determine the role of this variant in disease. Therefore, it has been classified as a Variant of Uncertain Significance.

Blueprint Genetics
Classification: Likely benign. Last evaluated: 2020-12-29. Review status: criteria provided, single submitter. Criteria: ACMG Guidelines, 2015. Collection method: clinical testing. Allele origin: germline.

NM_004333.6(BRAF):c.950C>G (p.Ser317Cys)

Gene: BRAF (B-Raf proto-oncogene, serine/threonine kinase; minus strand). Cytogenetic location: 7q34.
Variant type: single nucleotide variant.
Coding change: c.950C>G on transcript NM_004333.6 (MANE Select); coding-DNA position 950, C replaced by G.
Protein change: p.Ser317Cys; replaces serine 317 with cysteine.
Molecular consequence: missense variant.
Genome position (GRCh38, 1-based): chr7:140,800,392, G>C on the plus strand (C>G on the coding strand, the complement: BRAF is on the minus strand). VCF-style: chr7-140800392-G-C. GRCh37 (hg19) VCF-style: chr7-140500192-G-C.
Other names: c.950C>G, p.Ser317Cys (NM_001354609.2, NM_001374244.1, NM_001374258.1 and 4 more transcripts); c.959C>G, p.Ser320Cys (NM_001378467.1); c.848C>G, p.Ser283Cys (NM_001378470.1); c.794C>G, p.Ser265Cys (NM_001378472.1, NM_001378473.1); c.686C>G, p.Ser229Cys (NM_001378475.1); short protein forms S283C, S317C, S320C, S229C, S265C.
Identifiers: ClinVar variation 1989598 (VCV001989598.5), dbSNP rs779101864, ClinGen allele CA168106446.
Genomic context (GRCh38, chr7:140,800,392, plus strand): 5'-TGTCGCCCAAGAGCAGAAGTCAAACCATACCCAATAGAGTCCGAGGCGGGTGCGGAAGGG[G>C]ATGATCCAGATGTTAGGGCAGTCTCTGCTAAGGACGCCTCTTCCTGTGGTATTGGGTGGT-3'
Protein context (NP_004324.2, residues 307-327): LAETALTSGS[Ser317Cys]PSAPASDSIG